The following is an entry in ClinVar:

ClinVar aggregate classification (germline): Uncertain significance (1 of 4 stars; one submission).

Conditions:
Hypertrophic cardiomyopathy. Also called: HYPERTROPHIC MYOCARDIOPATHY. Identifiers: Orphanet 217569, MedGen C0007194, MeSH D002312, MONDO:0005045, HP:0001639.

Submission:

Labcorp Genetics (formerly Invitae), Labcorp
Classification: Uncertain significance for Hypertrophic cardiomyopathy. Last evaluated: 2024-03-25. Review status: criteria provided, single submitter. Criteria: Invitae Variant Classification Sherloc (09022015). Collection method: clinical testing. Allele origin: germline.
Comment: This sequence change replaces glutamic acid, which is acidic and polar, with glutamine, which is neutral and polar, at codon 1388 of the MYH7 protein (p.Glu1388Gln). This variant is not present in population databases (gnomAD no frequency). This variant has not been reported in the literature in individuals affected with MYH7-related conditions. Advanced modeling of protein sequence and biophysical properties (such as structural, functional, and spatial information, amino acid conservation, physicochemical variation, residue mobility, and thermodynamic stability) performed at Invitae indicates that this missense variant is expected to disrupt MYH7 protein function with a positive predictive value of 95%. In summary, the available evidence is currently insufficient to determine the role of this variant in disease. Therefore, it has been classified as a Variant of Uncertain Significance.

NM_000257.4(MYH7):c.4162G>C (p.Glu1388Gln)

Gene: MYH7 (myosin heavy chain 7; minus strand). Cytogenetic location: 14q11.2.
Variant type: single nucleotide variant.
Coding change: c.4162G>C on transcript NM_000257.4 (MANE Select); coding-DNA position 4162, G replaced by C.
Protein change: p.Glu1388Gln; replaces glutamic acid 1388 with glutamine.
Molecular consequence: missense variant.
Genome position (GRCh38, 1-based): chr14:23,418,217, C>G on the plus strand (G>C on the coding strand, the complement: MYH7 is on the minus strand). VCF-style: chr14-23418217-C-G. GRCh37 (hg19) VCF-style: chr14-23887426-C-G.
Other names: c.4162G>C, p.Glu1388Gln (NM_001407004.1); short protein forms E1388Q.
Identifiers: ClinVar variation 2694486 (VCV002694486.3), dbSNP rs2502255576, ClinGen allele CA389040729.